The following is an entry in ClinVar:

ClinVar aggregate classification (germline): Uncertain significance (1 of 4 stars; one submission).

Conditions:
Muscular dystrophy-dystroglycanopathy type B6 (MDDGB6). Also called: MUSCULAR DYSTROPHY-DYSTROGLYCANOPATHY (CONGENITAL WITH IMPAIRED INTELLECTUAL DEVELOPMENT), TYPE B, 6; MUSCULAR DYSTROPHY, CONGENITAL, LARGE-RELATED; MUSCULAR DYSTROPHY, CONGENITAL, TYPE 1D. Identifiers: MedGen C1837229, MONDO:0012138, OMIM 608840.

Allele frequency attached by ClinVar (database versions not stated): gnomAD exomes below 0.00001.
gnomAD v4.1: 2 of 1,613,934 alleles (0.00012%); highest among the groups gnomAD compares: South Asian, 0.0022%; no homozygotes.

Submission:

Labcorp Genetics (formerly Invitae), Labcorp
Classification: Uncertain significance for Muscular dystrophy-dystroglycanopathy type B6. Last evaluated: 2022-11-02. Review status: criteria provided, single submitter. Criteria: Invitae Variant Classification Sherloc (09022015). Collection method: clinical testing. Allele origin: germline.
Comment: This sequence change replaces alanine, which is neutral and non-polar, with valine, which is neutral and non-polar, at codon 478 of the LARGE1 protein (p.Ala478Val). In summary, the available evidence is currently insufficient to determine the role of this variant in disease. Therefore, it has been classified as a Variant of Uncertain Significance. Advanced modeling of protein sequence and biophysical properties (such as structural, functional, and spatial information, amino acid conservation, physicochemical variation, residue mobility, and thermodynamic stability) performed at Invitae indicates that this missense variant is not expected to disrupt LARGE1 protein function. This variant has not been reported in the literature in individuals affected with LARGE1-related conditions. This variant is not present in population databases (gnomAD no frequency).

NM_133642.5(LARGE1):c.1433C>T (p.Ala478Val)

Gene: LARGE1 (LARGE xylosyl- and glucuronyltransferase 1; minus strand). Cytogenetic location: 22q12.3.
Variant type: single nucleotide variant.
Coding change: c.1433C>T on transcript NM_133642.5 (MANE Select); coding-DNA position 1433, C replaced by T.
Protein change: p.Ala478Val; replaces alanine 478 with valine.
Molecular consequence: missense variant.
Genome position (GRCh38, 1-based): chr22:33,316,103, G>A on the plus strand (C>T on the coding strand, the complement: LARGE1 is on the minus strand). VCF-style: chr22-33316103-G-A. GRCh37 (hg19) VCF-style: chr22-33712089-G-A.
Other names: c.1433C>T, p.Ala478Val (NM_001362949.2, NM_001362951.2, NM_001362953.2 and 6 more transcripts); c.1277C>T, p.Ala426Val (NM_001378629.1); c.830C>T, p.Ala277Val (NM_001378630.1); c.674C>T, p.Ala225Val (NM_001378631.1); short protein forms A426V, A478V, A277V, A225V.
Identifiers: ClinVar variation 2912748 (VCV002912748.3), dbSNP rs2546685386, ClinGen allele CA411540831.